The following is an entry in ClinVar:

ClinVar aggregate classification (germline): Uncertain significance (1 of 4 stars; one submission).

Conditions:
Hypertrophic cardiomyopathy. Also called: HYPERTROPHIC MYOCARDIOPATHY. Identifiers: Orphanet 217569, MedGen C0007194, MeSH D002312, MONDO:0005045, HP:0001639.

gnomAD v4.1: 3 of 1,591,224 alleles (0.00019%); highest among the groups gnomAD compares: Non-Finnish European, 0.00026%; no homozygotes.

Submission:

Labcorp Genetics (formerly Invitae), Labcorp
Classification: Uncertain significance for Hypertrophic cardiomyopathy. Last evaluated: 2025-08-05. Review status: criteria provided, single submitter. Criteria: Invitae Variant Classification Sherloc (09022015). Collection method: clinical testing. Allele origin: germline.
Comment: This sequence change falls in intron 21 of the MYOM1 gene. It does not directly change the encoded amino acid sequence of the MYOM1 protein. It affects a nucleotide within the consensus splice site. This variant is not present in population databases (gnomAD no frequency). This variant has not been reported in the literature in individuals affected with MYOM1-related conditions. ClinVar contains an entry for this variant (Variation ID: 958255). Variants that disrupt the consensus splice site are a relatively common cause of aberrant splicing (PMID: 17576681, 9536098). Algorithms developed to predict the effect of sequence changes on RNA splicing suggest that this variant may disrupt the consensus splice site. In summary, the available evidence is currently insufficient to determine the role of this variant in disease. Therefore, it has been classified as a Variant of Uncertain Significance.

Literature cited by the submitters: PubMed 17576681; PubMed 9536098.

NM_003803.4(MYOM1):c.3304-3C>G

Gene: MYOM1 (myomesin 1; minus strand). Cytogenetic location: 18p11.31.
Variant type: single nucleotide variant.
Coding change: c.3304-3C>G on transcript NM_003803.4 (MANE Select); 3 bases into the intron before coding-DNA position 3304, C replaced by G.
Molecular consequence: intron variant.
Genome position (GRCh38, 1-based): chr18:3,112,415, G>C on the plus strand (C>G on the coding strand, the complement: MYOM1 is on the minus strand). VCF-style: chr18-3112415-G-C. GRCh37 (hg19) VCF-style: chr18-3112413-G-C.
Other names: c.3016-3C>G (NM_019856.2).
Identifiers: ClinVar variation 958255 (VCV000958255.9), dbSNP rs2079541369, ClinGen allele CA1139665945.